The following is an entry in ClinVar:

NM_000059.4(BRCA2):c.4137G>A (p.Gln1379=)

Gene: BRCA2 (BRCA2 DNA repair associated; plus strand). Cytogenetic location: 13q13.1.
Variant type: single nucleotide variant.
Coding change: c.4137G>A on transcript NM_000059.4 (MANE Select); coding-DNA position 4137, G replaced by A.
Protein change: p.Gln1379=; no amino-acid change (glutamine 1379 retained).
Molecular consequence: synonymous variant.
Genome position (GRCh38, 1-based): chr13:32,338,492, G>A. VCF-style: chr13-32338492-G-A. GRCh37 (hg19) VCF-style: chr13-32912629-G-A.
Identifiers: ClinVar variation 230354 (VCV000230354.23), dbSNP rs768918982, ClinGen allele CA6940754.

ClinVar aggregate classification (germline): Likely benign. Review status: reviewed by expert panel (3 of 4 stars). 8 submissions from 8 submitters: Likely benign (1). 7 of the submissions do not count toward it. Last evaluated 2017-06-29.

Conditions:
Hereditary cancer-predisposing syndrome. Also called: Neoplastic Syndromes, Hereditary; Hereditary Cancer Syndrome; Tumor predisposition; Hereditary neoplastic syndrome. Identifiers: Orphanet 140162, MedGen C0027672, MeSH D009386, MONDO:0015356.
Hereditary breast ovarian cancer syndrome. Also called: Breast and ovarian cancer; BRCA1- and BRCA2-Associated Hereditary Breast and Ovarian Cancer; Hereditary breast and ovarian cancer syndrome; Hereditary breast and ovarian cancer syndrome (HBOC); Hereditary breast and/or ovarian cancer syndrome; Hereditary breast and ovarian cancer. Identifiers: Orphanet 145, MedGen C0677776, MeSH D061325, MONDO:0003582. Disease mechanism: loss of function.
Breast-ovarian cancer, familial, susceptibility to, 2 (BROVCA2). Also called: BRCA2 Hereditary Breast and Ovarian Cancer. Identifiers: Orphanet 145, MedGen C2675520, MONDO:0012933, OMIM 612555. Disease mechanism: loss of function.

Allele frequency attached by ClinVar (database versions not stated): TOPMed below 0.00001; gnomAD 0.00001; gnomAD exomes 0.00001; ExAC 0.00002.
gnomAD v4.1: 8 of 1,608,860 alleles (0.0005%); highest among the groups gnomAD compares: Non-Finnish European, 0.00068%; no homozygotes.

Submissions (8):

Evidence-based Network for the Interpretation of Germline Mutant Alleles (ENIGMA)
Classification: Likely benign for Breast-ovarian cancer, familial, susceptibility to, 2. Last evaluated: 2017-06-29. Review status: reviewed by expert panel. Criteria: ENIGMA BRCA1/2 Classification Criteria (2017-06-29). Collection method: curation. Allele origin: germline.
Comment: Synonymous substitution variant, with low bioinformatic likelihood to result in a splicing aberration (Splicing prior probability 0.02).

Labcorp Genetics (formerly Invitae), Labcorp
Classification: Likely benign for Hereditary breast ovarian cancer syndrome. Last evaluated: 2025-10-16. Review status: criteria provided, single submitter. Criteria: Invitae Variant Classification Sherloc (09022015). Collection method: clinical testing. Allele origin: germline. Not counted in ClinVar's aggregate classification.

Blueprint Genetics
Classification: Likely benign. Last evaluated: 2022-08-11. Review status: criteria provided, single submitter. Criteria: ACMG Guidelines, 2015. Collection method: clinical testing. Allele origin: germline. Not counted in ClinVar's aggregate classification.

Women's Health and Genetics/Laboratory Corporation of America, LabCorp
Classification: Likely benign. Last evaluated: 2020-11-12. Review status: criteria provided, single submitter. Criteria: LabCorp Variant Classification Summary - May 2015. Collection method: clinical testing. Allele origin: germline. Not counted in ClinVar's aggregate classification.

GeneDx
Classification: Likely benign. Last evaluated: 2019-03-19. Review status: criteria provided, single submitter. Criteria: GeneDx Variant Classification Process June 2021. Collection method: clinical testing. Allele origin: germline. Affected: yes. Not counted in ClinVar's aggregate classification.

Color Diagnostics, LLC DBA Color Health
Classification: Likely benign for Hereditary cancer-predisposing syndrome. Last evaluated: 2018-08-21. Review status: criteria provided, single submitter. Criteria: ACMG Guidelines, 2015. Collection method: clinical testing. Allele origin: germline. Not counted in ClinVar's aggregate classification.

Quest Diagnostics Nichols Institute San Juan Capistrano
Classification: Likely benign. Last evaluated: 2017-07-11. Review status: criteria provided, single submitter. Criteria: Quest Diagnostics criteria. Collection method: clinical testing. Allele origin: germline. Not counted in ClinVar's aggregate classification.

Ambry Genetics
Classification: Likely benign for Hereditary cancer-predisposing syndrome. Last evaluated: 2015-01-30. Review status: criteria provided, single submitter. Criteria: Ambry Variant Classification Scheme 2023. Collection method: clinical testing. Allele origin: germline. Not counted in ClinVar's aggregate classification.